The following is an entry in ClinVar:

ClinVar aggregate classification (germline): Benign. Review status: criteria provided, multiple submitters, no conflicts (2 of 4 stars). 6 submissions from 6 submitters: Benign (6). Last evaluated 2024-11-28.

Conditions:
CHIME syndrome (CHIME). Also called: COLOBOMA, CONGENITAL HEART DISEASE, ICHTHYOSIFORM DERMATOSIS, IMPAIRED INTELLECTUAL DEVELOPMENT, AND EAR ANOMALIES SYNDROME; GLYCOSYLPHOSPHATIDYLINOSITOL BIOSYNTHESIS DEFECT 5. Identifiers: Orphanet 3474, MedGen C1848392, MONDO:0010221, OMIM 280000.

Allele frequency attached by ClinVar (database versions not stated): 1000 Genomes Project 0.26737; 1000 Genomes Project 30x 0.27108; TOPMed 0.37799; gnomAD 0.39103 and 0.39527; ESP Exome Variant Server 0.39428; ExAC 0.41399; gnomAD exomes 0.42415 and 0.46995.
gnomAD v4.1: 715,998 of 1,551,504 alleles (46%); highest among the groups gnomAD compares: Non-Finnish European, 50%; 174,267 homozygotes.

Submissions (6):

Blueprint Genetics
Classification: Benign. Last evaluated: 2024-11-28. Review status: criteria provided, single submitter. Criteria: ACMG Guidelines, 2015. Collection method: clinical testing. Allele origin: germline.

Genome-Nilou Lab
Classification: Benign for CHIME syndrome. Last evaluated: 2021-09-05. Review status: criteria provided, single submitter. Criteria: ACMG Guidelines, 2015. Collection method: clinical testing. Allele origin: germline. Affected: no.

GeneDx
Classification: Benign. Last evaluated: 2018-07-27. Review status: criteria provided, single submitter. Criteria: GeneDx Variant Classification Process June 2021. Collection method: clinical testing. Allele origin: germline. Affected: yes.

Illumina Laboratory Services, Illumina
Classification: Benign for CHIME syndrome. Last evaluated: 2018-01-12. Review status: criteria provided, single submitter. Criteria: ICSL Variant Classification Criteria 13 December 2019. Collection method: clinical testing. Allele origin: germline.
Comment: This variant was observed in the ICSL laboratory as part of a predisposition screen in an ostensibly healthy population. It had not been previously curated by ICSL or reported in the Human Gene Mutation Database (HGMD: prior to June 1st, 2018), and was therefore a candidate for classification through an automated scoring system. Utilizing variant allele frequency, disease prevalence and penetrance estimates, and inheritance mode, an automated score was calculated to assess if this variant is too frequent to cause the disease. Based on the score and internal cut-off values, a variant classified as benign is not then subjected to further curation. The score for this variant resulted in a classification of benign for this disease.

Mayo Clinic Laboratories, Mayo Clinic
Classification: Benign. Last evaluated: 2017-12-14. Review status: criteria provided, single submitter. Criteria: ACMG Guidelines, 2015. Collection method: clinical testing. Allele origin: germline. Observed: 22 variant alleles.

Breakthrough Genomics
Classification: Benign. Review status: criteria provided, single submitter. Criteria: ACMG Guidelines, 2015. Collection method: not provided. Allele origin: germline. Inheritance: Autosomal recessive inheritance. Affected: yes.

NM_004278.4(PIGL):c.*20A>G

Gene: PIGL (phosphatidylinositol glycan anchor biosynthesis class L; plus strand). Cytogenetic location: 17p11.2.
Variant type: single nucleotide variant.
Coding change: c.*20A>G on transcript NM_004278.4 (MANE Select); 20 bases downstream of the stop codon, A replaced by G.
Molecular consequence: 3 prime UTR variant.
Genome position (GRCh38, 1-based): chr17:16,325,918, A>G. VCF-style: chr17-16325918-A-G. GRCh37 (hg19) VCF-style: chr17-16229232-A-G.
Identifiers: ClinVar variation 321990 (VCV000321990.13), dbSNP rs15739, ClinGen allele CA8410051.